The following is an entry in ClinVar:

NM_017791.3(FLVCR2):c.52dup (p.Glu18fs)

Genes: FLVCR2 (FLVCR choline and putative heme transporter 2; plus strand), FLVCR2-AS1 (FLVCR2 antisense RNA 1; minus strand). Cytogenetic location: 14q24.3.
Variant type: Duplication.
Coding change: c.52dup on transcript NM_017791.3 (MANE Select); coding-DNA position 52, one base duplicated (G; older notation c.52dupG).
Protein change: p.Glu18fs; shifts the reading frame from glutamic acid 18.
Molecular consequence: frameshift variant. On other transcripts: non-coding transcript variant (1).
Genome position (GRCh38, 1-based): chr14:75,579,024, G duplicated; the last of 2 consecutive G bases (chr14:75,579,023-75,579,024); duplicating either gives the same sequence. VCF-style (leftmost placement, unchanged base first): chr14-75579022-C-CG. GRCh37 (hg19) VCF-style: chr14-76045365-C-CG.
Other names: p.Glu18GlyfsTer52; short protein forms E18fs.
Identifiers: ClinVar variation 3011058 (VCV003011058.6), dbSNP rs2504063396, ClinGen allele CA2575647245.

ClinVar aggregate classification (germline): Pathogenic/Likely pathogenic. Review status: criteria provided, multiple submitters, no conflicts (2 of 4 stars). 3 submissions from 3 submitters: Pathogenic (2); Likely pathogenic (1). Last evaluated 2024-11-06.

Conditions:
Proliferative vasculopathy and hydranencephaly-hydrocephaly syndrome. Also called: ENCEPHALOCLASTIC PROLIFERATIVE VASCULOPATHY; HYDRANENCEPHALY, FOWLER TYPE; HYDROCEPHALY/HYDRANENCEPHALY DUE TO CEREBRAL VASCULOPATHY; Fowler syndrome. Identifiers: Orphanet 221126, MedGen C1856972, MONDO:0009168, OMIM 225790.

Submissions (3):

3billion
Classification: Pathogenic for Proliferative vasculopathy and hydranencephaly-hydrocephaly syndrome. Last evaluated: 2024-11-06. Review status: criteria provided, single submitter. Criteria: ACMG Guidelines, 2015. Collection method: clinical testing. Allele origin: germline. Affected: yes.
Comment: The variant is not observed in the gnomAD v4.1.0 dataset. Predicted Consequence/Location: Frameshift: predicted to result in a loss or disruption of normal protein function through nonsense-mediated decay (NMD) or protein truncation. Multiple pathogenic variants are reported downstream of the variant. The variant has been reported at least twice as pathogenic without evidence for the classification (ClinVar ID: VCV003011058). Therefore, this variant is classified as Pathogenic according to the recommendation of ACMG/AMP guideline.

Labcorp Genetics (formerly Invitae), Labcorp
Classification: Pathogenic. Last evaluated: 2023-09-14. Review status: criteria provided, single submitter. Criteria: Invitae Variant Classification Sherloc (09022015). Collection method: clinical testing. Allele origin: germline.
Comment: For these reasons, this variant has been classified as Pathogenic. This variant has not been reported in the literature in individuals affected with FLVCR2-related conditions. This variant is not present in population databases (gnomAD no frequency). This sequence change creates a premature translational stop signal (p.Glu18Glyfs*52) in the FLVCR2 gene. It is expected to result in an absent or disrupted protein product. Loss-of-function variants in FLVCR2 are known to be pathogenic (PMID: 20206334, 20690116).

Breakthrough Genomics
Classification: Likely pathogenic for Proliferative vasculopathy and hydranencephaly-hydrocephaly syndrome. Last evaluated: 2021-10-08. Review status: criteria provided, single submitter. Criteria: ACMG Guidelines, 2015. Collection method: clinical testing. Allele origin: germline. Affected: yes.
Comment: This variant seems to be a novel variant, as it has not been previously reported in population databases or in the literature. However, several other truncating variants lying downstream of the variant, have been previously reported as likely pathogenic/pathogenic in the ClinVar database context of proliferative vasculopathy and hydranencephaly-hydrocephaly syndrome.

Literature cited by the submitters: PubMed 20206334 (cited by Labcorp Genetics (formerly Invitae), Labcorp); PubMed 20690116 (cited by Labcorp Genetics (formerly Invitae), Labcorp).